The following is an entry in ClinVar:

NM_024747.6(HPS6):c.404G>A (p.Arg135Gln)

Gene: HPS6 (HPS6 biogenesis of lysosomal organelles complex 2 subunit 3; plus strand). Cytogenetic location: 10q24.32.
Variant type: single nucleotide variant.
Coding change: c.404G>A on transcript NM_024747.6 (MANE Select); coding-DNA position 404, G replaced by A.
Protein change: p.Arg135Gln; replaces arginine 135 with glutamine.
Molecular consequence: missense variant.
Genome position (GRCh38, 1-based): chr10:102,065,878, G>A. VCF-style: chr10-102065878-G-A. GRCh37 (hg19) VCF-style: chr10-103825635-G-A.
Other names: short protein forms R135Q.
Identifiers: ClinVar variation 1898980 (VCV001898980.5), dbSNP rs1242137050, ClinGen allele CA377856935.

ClinVar aggregate classification (germline): Uncertain significance (1 of 4 stars; one submission).

gnomAD v4.1: 1 of 1,532,172 alleles (0.000065%); no homozygotes.

Submission:

Labcorp Genetics (formerly Invitae), Labcorp
Classification: Uncertain significance. Last evaluated: 2025-11-10. Review status: criteria provided, single submitter. Criteria: Invitae Variant Classification Sherloc (09022015). Collection method: clinical testing. Allele origin: germline.
Comment: This sequence change replaces arginine, which is basic and polar, with glutamine, which is neutral and polar, at codon 135 of the HPS6 protein (p.Arg135Gln). This variant is not present in population databases (gnomAD no frequency). This variant has not been reported in the literature in individuals affected with HPS6-related conditions. ClinVar contains an entry for this variant (Variation ID: 1898980). Invitae Evidence Modeling of protein sequence and biophysical properties (such as structural, functional, and spatial information, amino acid conservation, physicochemical variation, residue mobility, and thermodynamic stability) indicates that this missense variant is not expected to disrupt HPS6 protein function with a negative predictive value of 80%. In summary, the available evidence is currently insufficient to determine the role of this variant in disease. Therefore, it has been classified as a Variant of Uncertain Significance.